The following is an entry in ClinVar:

NM_020937.4(FANCM):c.469G>T (p.Val157Leu)

Gene: FANCM (FA complementation group M; plus strand). Cytogenetic location: 14q21.2.
Variant type: single nucleotide variant.
Coding change: c.469G>T on transcript NM_020937.4 (MANE Select); coding-DNA position 469, G replaced by T.
Protein change: p.Val157Leu; replaces valine 157 with leucine.
Molecular consequence: missense variant.
Genome position (GRCh38, 1-based): chr14:45,136,500, G>T. VCF-style: chr14-45136500-G-T. GRCh37 (hg19) VCF-style: chr14-45605703-G-T.
Other names: c.469G>T, p.Val157Leu (NM_001308133.2, NM_001308134.2); short protein forms V157L.
Identifiers: ClinVar variation 4871161 (VCV004871161.1).
Genomic context (GRCh38, chr14:45,136,500, plus strand): 5'-GTGGTCTTCATGGCCCCAACGAAACCCTTGGTGACACAGCAGATCGAGGCTTGCTACCAG[G>T]TGATGGGTATCCCGCAATCCCACATGGCCGAAATGACAGGTATCTTAGACTGGACTAATT-3'
Protein context (NP_065988.1, residues 147-167): VTQQIEACYQ[Val157Leu]MGIPQSHMAE

ClinVar aggregate classification (germline): Uncertain significance (1 of 4 stars; one submission).

Conditions:
Inborn genetic diseases. Identifiers: MedGen C0950123, MeSH D030342.

gnomAD v4.1: 17 of 1,614,138 alleles (0.0011%); highest among the groups gnomAD compares: Non-Finnish European, 0.0012%; no homozygotes.

Submission:

Ambry Genetics
Classification: Uncertain significance for Inborn genetic diseases. Last evaluated: 2026-05-24. Review status: criteria provided, single submitter. Criteria: Ambry Variant Classification Scheme 2023. Collection method: clinical testing. Allele origin: germline.
Comment: The p.V157L variant (also known as c.469G>T), located in coding exon 1 of the FANCM gene, results from a G to T substitution at nucleotide position 469. The valine at codon 157 is replaced by leucine, an amino acid with highly similar properties. This amino acid position is conserved. In addition, this alteration is predicted to be tolerated by in silico analysis. Based on the available evidence, the clinical significance of this variant remains unclear.